The following is an entry in ClinVar:

ClinVar aggregate classification (germline): Uncertain significance. Review status: criteria provided, multiple submitters, no conflicts (2 of 4 stars). 2 submissions from 2 submitters: Uncertain significance (2). Last evaluated 2026-03-01.

Conditions:
Hereditary cancer-predisposing syndrome. Also called: Neoplastic Syndromes, Hereditary; Tumor predisposition; Hereditary Cancer Syndrome; Hereditary neoplastic syndrome. Identifiers: Orphanet 140162, MedGen C0027672, MeSH D009386, MONDO:0015356.
Tuberous sclerosis 2 (TSC2). Identifiers: Orphanet 805, MedGen C1860707, MONDO:0013199, OMIM 613254.

Submissions (2):

Ambry Genetics
Classification: Uncertain significance for Hereditary cancer-predisposing syndrome. Last evaluated: 2026-03-01. Review status: criteria provided, single submitter. Criteria: Ambry Variant Classification Scheme 2023. Collection method: clinical testing. Allele origin: germline.
Comment: The p.S1304R variant (also known as c.3912T>G), located in coding exon 32 of the TSC2 gene, results from a T to G substitution at nucleotide position 3912. The serine at codon 1304 is replaced by arginine, an amino acid with dissimilar properties. This amino acid position is conserved. In addition, the in silico prediction for this alteration is inconclusive. Based on the available evidence, the clinical significance of this variant remains unclear.

Labcorp Genetics (formerly Invitae), Labcorp
Classification: Uncertain significance for Tuberous sclerosis 2. Last evaluated: 2023-01-24. Review status: criteria provided, single submitter. Criteria: Invitae Variant Classification Sherloc (09022015). Collection method: clinical testing. Allele origin: germline.
Comment: This variant is not present in population databases (gnomAD no frequency). This sequence change replaces serine, which is neutral and polar, with arginine, which is basic and polar, at codon 1304 of the TSC2 protein (p.Ser1304Arg). This variant has not been reported in the literature in individuals affected with TSC2-related conditions. In summary, the available evidence is currently insufficient to determine the role of this variant in disease. Therefore, it has been classified as a Variant of Uncertain Significance. Advanced modeling of protein sequence and biophysical properties (such as structural, functional, and spatial information, amino acid conservation, physicochemical variation, residue mobility, and thermodynamic stability) performed at Invitae indicates that this missense variant is not expected to disrupt TSC2 protein function.

NM_000548.5(TSC2):c.3912T>G (p.Ser1304Arg)

Gene: TSC2 (TSC complex subunit 2; plus strand). Cytogenetic location: 16p13.3.
Variant type: single nucleotide variant.
Coding change: c.3912T>G on transcript NM_000548.5 (MANE Select); coding-DNA position 3912, T replaced by G.
Protein change: p.Ser1304Arg; replaces serine 1304 with arginine.
Molecular consequence: missense variant. On other transcripts: non-coding transcript variant (5).
Genome position (GRCh38, 1-based): chr16:2,083,723, T>G. VCF-style: chr16-2083723-T-G. GRCh37 (hg19) VCF-style: chr16-2133724-T-G.
Other names: c.3654T>G, p.Ser1218Arg (NM_001406677.1); c.3600T>G, p.Ser1200Arg (NM_001406678.1); c.3564T>G, p.Ser1188Arg (NM_001406679.1); c.3312T>G, p.Ser1104Arg (NM_001406680.1); c.3252T>G, p.Ser1084Arg (NM_001406681.1); c.3243T>G, p.Ser1081Arg (NM_001406682.1, NM_001406683.1); c.3240T>G, p.Ser1080Arg (NM_001406684.1); c.3114T>G, p.Ser1038Arg (NM_001406685.1, NM_001406686.1); and 26 more; short protein forms S1038R, S1080R, S1189R, S1232R, S1233R, S1234R, S1237R, S789R.
Identifiers: ClinVar variation 3004157 (VCV003004157.4), dbSNP rs2151510895, ClinGen allele CA394297041.